The following is an entry in ClinVar:

ClinVar aggregate classification (germline): Likely pathogenic. Review status: reviewed by expert panel (3 of 4 stars). 3 submissions from 2 submitters: Likely pathogenic (1). 2 of the submissions do not count toward it. Last evaluated 2025-03-10.

Conditions:
Alpha-actinopathy. Also called: Actinopathy. Identifiers: MedGen CN295279, MONDO:0100084.
Nemaline myopathy. Also called: Myopathies, Nemaline. Identifiers: Orphanet 607, MedGen C0206157, MONDO:0018958.
Centronuclear myopathy (CNM). Also called: Centronuclear myopathy, congenital; Myotubular myopathy. Identifiers: Orphanet 595, MedGen C0175709, MONDO:0018947. Inheritance: All.

Submissions (3):

ClinGen Congenital Myopathies Variant Curation Expert Panel, ClinGen
Classification: Likely pathogenic for Alpha-actinopathy. Last evaluated: 2025-03-10. Review status: reviewed by expert panel. Criteria: ClinGen CongenMyopathy ACMG Specifications ACTA1_AD_ V2.0.0. Collection method: curation. Allele origin: germline. Inheritance: Autosomal dominant inheritance.
Comment: The variant NM_001100.4:c.442G>T in ACTA1 is a missense variant predicted to cause substitution of glycine by valine at amino acid 148 (p.Gly148Val). The variant is absent from gnomAD v4.1.0 (PM2_Supporting). The REVEL computational prediction analysis tool produced a score of 0.963, which is above the threshold necessary to apply PP3. ACTA1, in which the variant was identified, is defined by the ClinGen Congenital Myopathies VCEP as a gene that has a low rate of benign missense variation and where pathogenic missense variants are a common mechanism of disease (PP2). Two different missense variants, p.Gly148Ser and p.Gly148Arg (Variation IDs: 1364817 and 280732), in the same codon have been classified as likely pathogenic for alpha-actinopathy by the ClinGen Congenital Myopathies VCEP (PM5). This variant has been reported in 1 proband with alpha-actinopathy, and had a de novo occurrence of the variant with parental relationships unconfirmed (PM6; PMID: 32668698). In summary, this variant meets the criteria to be classified as likely pathogenic for AD alpha-actinopathy. ACMG/AMP criteria met, as specified by the Congenital Myopathies VCEP (Specification Version 2.0.0): PM2_Supporting, PP3, PP2, PM5, PM6 (ClinGen Congenital Myopathies VCEP specifications version 2.0.0; 3/10/2025).

Harry Perkins Institute Of Medical Research, University Of Western Australia
Classification: Likely pathogenic for Nemaline myopathy. Last evaluated: 2020-07-13. Review status: criteria provided, single submitter. Criteria: ACMG Guidelines, 2015. Collection method: literature only. Allele origin: de novo. Affected: yes. Observed: 1 variant allele. Not counted in ClinVar's aggregate classification.

Harry Perkins Institute Of Medical Research, University Of Western Australia
Classification: Likely pathogenic for Myotubular myopathy. Last evaluated: 2015-08-16. Review status: criteria provided, single submitter. Criteria: ACMG Guidelines, 2015. Collection method: research. Allele origin: unknown. Affected: yes. Observed: 1 variant allele. Not counted in ClinVar's aggregate classification.

Literature cited by the submitters: PubMed 32668698 (cited by Harry Perkins Institute Of Medical Research, University Of Western Australia).

NM_001100.4(ACTA1):c.443G>T (p.Gly148Val)

Gene: ACTA1 (actin alpha 1, skeletal muscle; minus strand). Cytogenetic location: 1q42.13.
Variant type: single nucleotide variant.
Coding change: c.443G>T on transcript NM_001100.4 (MANE Select); coding-DNA position 443, G replaced by T.
Protein change: p.Gly148Val; replaces glycine 148 with valine.
Molecular consequence: missense variant.
Genome position (GRCh38, 1-based): chr1:229,432,567, C>A on the plus strand (G>T on the coding strand, the complement: ACTA1 is on the minus strand). VCF-style: chr1-229432567-C-A. GRCh37 (hg19) VCF-style: chr1-229568314-C-A.
Other names: NM_001100.4(ACTA1):c.443G>T; p.Gly148Val; short protein forms G148V.
Identifiers: ClinVar variation 2582809 (VCV002582809.2), dbSNP rs2527438840, ClinGen allele CA345149129.